The following is an entry in ClinVar:

NM_133433.4(NIPBL):c.4537del (p.Ala1513fs)

Gene: NIPBL (NIPBL cohesin loading factor; plus strand). Cytogenetic location: 5p13.2.
Variant type: Deletion.
Coding change: c.4537del on transcript NM_133433.4 (MANE Select); coding-DNA position 4537, one base deleted (G; older notation c.4537delG).
Protein change: p.Ala1513fs; shifts the reading frame from alanine 1513.
Molecular consequence: frameshift variant.
Genome position (GRCh38, 1-based): chr5:37,010,202, G deleted. VCF-style (leftmost placement, unchanged base first): chr5-37010201-TG-T. GRCh37 (hg19) VCF-style: chr5-37010303-TG-T.
Other names: c.4537del, p.Ala1513fs (NM_001438586.1, NM_015384.5); short protein forms A1513fs.
Identifiers: ClinVar variation 4813773 (VCV004813773.1).
Genomic context (GRCh38, chr5:37,010,201, plus strand): 5'-ACTGGTTTTACAACTTATTCAGTGTGTGGTACACTTACCATCATCAGAGAAGGACTCTAA[TG>T]CAGAAGAAGATTCAAATAAAAAAGTAAGGAATCTATTAAAGGTTTTACAACTGTACTTTT-3'

ClinVar aggregate classification (germline): Pathogenic (1 of 4 stars; one submission).

Conditions:
Cornelia de Lange syndrome 1 (CDLS1). Also called: Brachmann de Lange syndrome; NIPBL-Related Cornelia de Lange Syndrome; TYPUS DEGENERATIVUS AMSTELODAMENSIS. Identifiers: Orphanet 199, MedGen C4551851, MONDO:0007387, OMIM 122470.

Submission:

Variantyx, Inc.
Classification: Pathogenic for Cornelia de Lange syndrome 1. Last evaluated: 2026-01-19. Review status: criteria provided, single submitter. Criteria: Variantyx Assertion Criteria 2022. Collection method: clinical testing. Allele origin: de novo. Inheritance: Autosomal dominant inheritance. Affected: yes.
Comment: This is a frameshift variant in the NIPBL gene (OMIM: 608667). Pathogenic variants in this gene have been associated with autosomal dominant Cornelia de Lange syndrome 1. This variant introduces a premature termination codon in exon 21 out of 47 and is expected to result in loss of function, which is a known disease mechanism for NIPBL in this disorder (PMID: 29995837, 23505322, 19763162, 15318302) (PVS1). This variant is absent from control populations (PM2). Based on the current evidence, this variant is classified as pathogenic for autosomal dominant Cornelia de Lange syndrome 1.

Literature cited by the submitters: PubMed 29995837; PubMed 23505322; PubMed 19763162; PubMed 15318302.